The following is an entry in ClinVar:

ClinVar aggregate classification (germline): Uncertain significance. Review status: criteria provided, multiple submitters, no conflicts (2 of 4 stars). 2 submissions from 2 submitters: Uncertain significance (2). Last evaluated 2025-11-02.

Allele frequency attached by ClinVar (database versions not stated): gnomAD 0.00001; TOPMed 0.00002; gnomAD exomes 0.00003.
gnomAD v4.1: 43 of 1,579,116 alleles (0.0027%); highest among the groups gnomAD compares: Non-Finnish European, 0.0037%; no homozygotes.

Submissions (2):

Ambry Genetics
Classification: Uncertain significance. Last evaluated: 2025-11-02. Review status: criteria provided, single submitter. Criteria: Ambry Variant Classification Scheme 2023. Collection method: clinical testing. Allele origin: germline.

Labcorp Genetics (formerly Invitae), Labcorp
Classification: Uncertain significance. Last evaluated: 2025-05-07. Review status: criteria provided, single submitter. Criteria: Invitae Variant Classification Sherloc (09022015). Collection method: clinical testing. Allele origin: germline.
Comment: This sequence change replaces glutamic acid, which is acidic and polar, with valine, which is neutral and non-polar, at codon 75 of the PLEKHM2 protein (p.Glu75Val). The frequency data for this variant in the population databases is considered unreliable, as metrics indicate poor data quality at this position in the gnomAD database. This variant has not been reported in the literature in individuals affected with PLEKHM2-related conditions. ClinVar contains an entry for this variant (Variation ID: 2407381). An algorithm developed to predict the effect of missense changes on protein structure and function (PolyPhen-2) suggests that this variant is likely to be disruptive. In summary, the available evidence is currently insufficient to determine the role of this variant in disease. Therefore, it has been classified as a Variant of Uncertain Significance.

NM_015164.4(PLEKHM2):c.224A>T (p.Glu75Val)

Gene: PLEKHM2 (pleckstrin homology and RUN domain containing M2; plus strand). Cytogenetic location: 1p36.21.
Variant type: single nucleotide variant.
Coding change: c.224A>T on transcript NM_015164.4 (MANE Select); coding-DNA position 224, A replaced by T.
Protein change: p.Glu75Val; replaces glutamic acid 75 with valine.
Molecular consequence: missense variant.
Genome position (GRCh38, 1-based): chr1:15,716,763, A>T. VCF-style: chr1-15716763-A-T. GRCh37 (hg19) VCF-style: chr1-16043258-A-T.
Other names: c.224A>T, p.Glu75Val (NM_001410755.1); short protein forms E75V.
Identifiers: ClinVar variation 2407381 (VCV002407381.4), dbSNP rs766233957, ClinGen allele CA616631.